The following is an entry in ClinVar:

ClinVar aggregate classification (germline): Conflicting classifications of pathogenicity. Review status: criteria provided, conflicting classifications (1 of 4 stars). 3 submissions from 3 submitters: Uncertain significance (1); Likely benign (2). Last evaluated 2023-07-17.

Conditions:
Seizure. Also called: Seizures. Identifiers: MedGen C0036572, HP:0001250.
Familial focal epilepsy with variable foci (FPEVF). Identifiers: Orphanet 98820, MedGen C1858477, MONDO:0020310.

gnomAD v4.1: 6 of 1,614,182 alleles (0.00037%); highest among the groups gnomAD compares: Non-Finnish European, 0.00051%; no homozygotes.

Submissions (3):

Labcorp Genetics (formerly Invitae), Labcorp
Classification: Uncertain significance for Familial focal epilepsy with variable foci. Last evaluated: 2023-07-17. Review status: criteria provided, single submitter. Criteria: Invitae Variant Classification Sherloc (09022015). Collection method: clinical testing. Allele origin: germline.
Comment: Experimental studies and prediction algorithms are not available or were not evaluated, and the functional significance of this variant is currently unknown. In summary, the available evidence is currently insufficient to determine the role of this variant in disease. Therefore, it has been classified as a Variant of Uncertain Significance. ClinVar contains an entry for this variant (Variation ID: 1333723). This variant has not been reported in the literature in individuals affected with DEPDC5-related conditions. This variant is not present in population databases (gnomAD no frequency). This sequence change replaces alanine, which is neutral and non-polar, with valine, which is neutral and non-polar, at codon 530 of the DEPDC5 protein (p.Ala530Val).

Experimental Epileptology, AG Lerche, Hertie Institute for Clinical Brain Research
Classification: Likely benign for Seizure. Last evaluated: 2022-01-02. Review status: criteria provided, single submitter. Criteria: ACMG Guidelines, 2015. Collection method: research. Allele origin: maternal. Affected: yes.
Comment: ACMG/AMP criteria: PM2, PP3, BP1, BS4

Breakthrough Genomics
Classification: Likely benign. Review status: criteria provided, single submitter. Criteria: ACMG Guidelines, 2015. Collection method: not provided. Allele origin: germline. Inheritance: Autosomal dominant inheritance. Affected: yes.

NM_001242896.3(DEPDC5):c.1589C>T (p.Ala530Val)

Gene: DEPDC5 (DEP domain containing 5, GATOR1 subcomplex subunit; plus strand). Cytogenetic location: 22q12.3.
Variant type: single nucleotide variant.
Coding change: c.1589C>T on transcript NM_001242896.3 (MANE Select); coding-DNA position 1589, C replaced by T.
Protein change: p.Ala530Val; replaces alanine 530 with valine.
Molecular consequence: missense variant. On other transcripts: non-coding transcript variant (5).
Genome position (GRCh38, 1-based): chr22:31,815,135, C>T. VCF-style: chr22-31815135-C-T. GRCh37 (hg19) VCF-style: chr22-32211121-C-T.
Other names: NC_000022.11(NM_014662.6):c.1589C>T; NM_014662.6(DEPDC5):p.(Ala530Val); NM_014662.6(NP_055477.1):p.(Ala530Val); c.1589C>T, p.Ala530Val (NM_001007188.4, NM_001136029.4, NM_001242897.2 and 7 more transcripts); c.1505C>T, p.Ala502Val (NM_001369901.1, NM_001369902.1); short protein forms A502V, A530V.
Identifiers: ClinVar variation 1333723 (VCV001333723.5), dbSNP rs2148759614, ClinGen allele CA411278395.